The following is an entry in ClinVar:

ClinVar aggregate classification (germline): Benign (1 of 4 stars; one submission).

Submission:

CeGaT Center for Human Genetics Tuebingen
Classification: Benign. Last evaluated: 2023-02-01. Review status: criteria provided, single submitter. Criteria: CeGaT Center For Human Genetics Tuebingen Variant Classification Criteria Version 2. Collection method: clinical testing. Allele origin: germline. Affected: yes. Observed: 1 variant allele.
Comment: E2F4: BS1, BS2

NM_001950.4(E2F4):c.920GCA[11] (p.Ser318_Ser319del)

Gene: E2F4 (E2F transcription factor 4; plus strand). Cytogenetic location: 16q22.1.
Variant type: Microsatellite.
Coding change: c.920GCA[11] on transcript NM_001950.4 (MANE Select); 11 copies in a row of the 3-base unit GCA starting at c.920; the reference has 13 copies in a row; two copies, 6 bases deleted.
Protein change: p.Ser318_Ser319del.
Molecular consequence: inframe deletion.
Genome position (GRCh38, 1-based): chr16:67,195,926-67,195,931, GCAGCA deleted; deleting any 6 consecutive bases within chr16:67,195,891-67,195,931 gives the same sequence; the position shown is the placement nearest the transcript's 3' end. VCF-style (leftmost placement, unchanged base first): chr16-67195890-ACAGCAG-A. GRCh37 (hg19) VCF-style: chr16-67229793-ACAGCAG-A.
Identifiers: ClinVar variation 2646614 (VCV002646614.24), dbSNP rs3830472, ClinGen allele CA496074445.